The following is an entry in ClinVar:

ClinVar aggregate classification (germline): Uncertain significance (1 of 4 stars; one submission).

Submission:

Labcorp Genetics (formerly Invitae), Labcorp
Classification: Uncertain significance. Last evaluated: 2022-03-14. Review status: criteria provided, single submitter. Criteria: Invitae Variant Classification Sherloc (09022015). Collection method: clinical testing. Allele origin: germline.
Comment: This sequence change replaces lysine, which is basic and polar, with asparagine, which is neutral and polar, at codon 1063 of the MYO18B protein (p.Lys1063Asn). This variant is not present in population databases (gnomAD no frequency). In summary, the available evidence is currently insufficient to determine the role of this variant in disease. Therefore, it has been classified as a Variant of Uncertain Significance. Algorithms developed to predict the effect of missense changes on protein structure and function are either unavailable or do not agree on the potential impact of this missense change (SIFT: "Not Available"; PolyPhen-2: "Benign"; Align-GVGD: "Not Available"). This variant has not been reported in the literature in individuals affected with MYO18B-related conditions.

NM_032608.7(MYO18B):c.3189G>T (p.Lys1063Asn)

Gene: MYO18B (myosin XVIIIB; plus strand). Cytogenetic location: 22q12.1.
Variant type: single nucleotide variant.
Coding change: c.3189G>T on transcript NM_032608.7 (MANE Select); coding-DNA position 3189, G replaced by T.
Protein change: p.Lys1063Asn; replaces lysine 1063 with asparagine.
Molecular consequence: missense variant.
Genome position (GRCh38, 1-based): chr22:25,835,424, G>T. VCF-style: chr22-25835424-G-T. GRCh37 (hg19) VCF-style: chr22-26231391-G-T.
Other names: c.3192G>T, p.Lys1064Asn (NM_001318245.2); short protein forms K1064N, K1063N.
Identifiers: ClinVar variation 1901344 (VCV001901344.5), dbSNP rs2517529930, ClinGen allele CA411002506.